The following is an entry in ClinVar:

NM_004453.4(ETFDH):c.586C>A (p.Pro196Thr)

Gene: ETFDH (electron transfer flavoprotein dehydrogenase; plus strand). Cytogenetic location: 4q32.1.
Variant type: single nucleotide variant.
Coding change: c.586C>A on transcript NM_004453.4 (MANE Select); coding-DNA position 586, C replaced by A.
Protein change: p.Pro196Thr; replaces proline 196 with threonine.
Molecular consequence: missense variant.
Genome position (GRCh38, 1-based): chr4:158,685,199, C>A. VCF-style: chr4-158685199-C-A. GRCh37 (hg19) VCF-style: chr4-159606351-C-A.
Other names: c.445C>A, p.Pro149Thr (NM_001281737.2); c.403C>A, p.Pro135Thr (NM_001281738.1); short protein forms P149T, P135T, P196T.
Identifiers: ClinVar variation 1956373 (VCV001956373.5), dbSNP rs201067972, ClinGen allele CA358575571.

ClinVar aggregate classification (germline): Uncertain significance (1 of 4 stars; one submission).

Conditions:
Multiple acyl-CoA dehydrogenase deficiency (MADD). Also called: Glutaric Acidemia type 2; ETHYLMALONIC-ADIPICACIDURIA; GA II; Glutaric aciduria, type 2; Glutaric acidemia type II; GA 2. Identifiers: Orphanet 26791, MedGen C0268596, MONDO:0009282, OMIM 231680.

gnomAD v4.1: 1 of 1,600,340 alleles (0.000062%); no homozygotes.

Submission:

Labcorp Genetics (formerly Invitae), Labcorp
Classification: Uncertain significance for Multiple acyl-CoA dehydrogenase deficiency. Last evaluated: 2025-07-25. Review status: criteria provided, single submitter. Criteria: Invitae Variant Classification Sherloc (09022015). Collection method: clinical testing. Allele origin: germline.
Comment: This sequence change replaces proline, which is neutral and non-polar, with threonine, which is neutral and polar, at codon 196 of the ETFDH protein (p.Pro196Thr). This variant is not present in population databases (gnomAD no frequency). This variant has not been reported in the literature in individuals affected with ETFDH-related conditions. ClinVar contains an entry for this variant (Variation ID: 1956373). Invitae Evidence Modeling of protein sequence and biophysical properties (such as structural, functional, and spatial information, amino acid conservation, physicochemical variation, residue mobility, and thermodynamic stability) indicates that this missense variant is not expected to disrupt ETFDH protein function with a negative predictive value of 80%. In summary, the available evidence is currently insufficient to determine the role of this variant in disease. Therefore, it has been classified as a Variant of Uncertain Significance.